The following is an entry in ClinVar:

ClinVar aggregate classification (germline): Likely pathogenic (1 of 4 stars; one submission).

Conditions:
Polycystic kidney disease 6 with or without polycystic liver disease. Also called: Autosomal Dominant Polycystic Kidney Disease-DNAJB11. Identifiers: MedGen C4748044, MONDO:0054842, OMIM 618061.

Submission:

MVZ Medizinische Genetik Mainz
Classification: Likely pathogenic for Polycystic kidney disease 6 with or without polycystic liver disease. Last evaluated: 2025-11-12. Review status: criteria provided, single submitter. Criteria: UK Practice Guidelines For Variant Classification V4 01 2020. Collection method: clinical testing. Allele origin: germline. Inheritance: Autosomal dominant inheritance. Affected: yes. Observed: 1 variant allele.
Comment: ACMG Criteria: PVS1,PM2_SUP

NM_016306.6(DNAJB11):c.537del (p.Gln179fs)

Gene: DNAJB11 (DnaJ heat shock protein family (Hsp40) member B11; plus strand). Cytogenetic location: 3q27.3.
Variant type: Deletion.
Coding change: c.537del on transcript NM_016306.6 (MANE Select); coding-DNA position 537, one base deleted (G; older notation c.537delG).
Protein change: p.Gln179fs; shifts the reading frame from glutamine 179.
Molecular consequence: frameshift variant. On other transcripts: non-coding transcript variant (5), intron variant (1).
Genome position (GRCh38, 1-based): chr3:186,581,451, G deleted. VCF-style (leftmost placement, unchanged base first): chr3-186581450-AG-A. GRCh37 (hg19) VCF-style: chr3-186299239-AG-A.
Other names: c.324-544del (NM_001378451.1); short protein forms Q179fs.
Identifiers: ClinVar variation 4532219 (VCV004532219.1).